The following is an entry in ClinVar:

ClinVar aggregate classification (germline): Likely benign (1 of 4 stars; one submission).

Conditions:
PLXNA4-related disorder. Also called: PLXNA4-related condition.

gnomAD v4.1: 5 of 1,613,052 alleles (0.00031%); highest among the groups gnomAD compares: African/African-American, 0.0053%; no homozygotes.

Submission:

PreventionGenetics, part of Exact Sciences
Classification: Likely benign for PLXNA4-related condition. Last evaluated: 2026-01-05. Review status: criteria provided, single submitter. Criteria: ACMG Guidelines, 2015. Collection method: clinical testing. Allele origin: germline.
Comment: This variant is classified as likely benign based on ACMG/AMP sequence variant interpretation guidelines (Richards et al. 2015 PMID: 25741868, with internal and published modifications).

NM_020911.2(PLXNA4):c.4347C>T (p.Phe1449=)

Gene: PLXNA4 (plexin A4; minus strand). Cytogenetic location: 7q32.3.
Variant type: single nucleotide variant.
Coding change: c.4347C>T on transcript NM_020911.2 (MANE Select); coding-DNA position 4347, C replaced by T.
Protein change: p.Phe1449=; no amino-acid change (phenylalanine 1449 retained).
Molecular consequence: synonymous variant.
Genome position (GRCh38, 1-based): chr7:132,165,140, G>A on the plus strand (C>T on the coding strand, the complement: PLXNA4 is on the minus strand). VCF-style: chr7-132165140-G-A. GRCh37 (hg19) VCF-style: chr7-131849899-G-A.
Other names: c.4347C>T, p.Phe1449= (NM_001393897.1).
Identifiers: ClinVar variation 4984142 (VCV004984142.1).
Genomic context (GRCh38, chr7:132,165,140, plus strand): 5'-GGCTGCAGAGAATGAACGAGGCAAGGCCAGAAATACGTCCACATCCAACCCTACCTTGAG[G>A]AACTTGTAGAGGAGGAAAGTAAACCAATTGGTCAGCATCTTCTCAGCCACTGACTCAGTC-3'
Protein context (NP_065962.1, residues 1439-1459): TNWFTFLLYK[Phe1449=]LKECAGEPLF